The following is an entry in ClinVar:

ClinVar aggregate classification (germline): Uncertain significance. Review status: criteria provided, multiple submitters, no conflicts (2 of 4 stars). 2 submissions from 2 submitters: Uncertain significance (2). Last evaluated 2025-12-24.

Conditions:
KCNMA1-related disorder. Also called: KCNMA1-related disorders; KCNMA1-related condition.
Generalized epilepsy-paroxysmal dyskinesia syndrome (PNKD3). Also called: Generalized epilepsy and paroxysmal dyskinesia; Paroxysmal nonkinesigenic dyskinesia, 3, with or without generalized epilepsy. Identifiers: Orphanet 79137, MedGen C5574945, MONDO:0012276, OMIM 609446.

Submissions (2):

PreventionGenetics, part of Exact Sciences
Classification: Uncertain significance for KCNMA1-related condition. Last evaluated: 2025-12-24. Review status: criteria provided, single submitter. Criteria: ACMG Guidelines, 2015. Collection method: clinical testing. Allele origin: germline.
Comment: The KCNMA1 c.2536G>A variant is predicted to result in the amino acid substitution p.Gly846Ser. To our knowledge, this variant has not been reported in the literature or in a large population database (gnomAD), indicating this variant is rare. At this time, the clinical significance of this variant is uncertain due to the absence of conclusive functional and genetic evidence.

Labcorp Genetics (formerly Invitae), Labcorp
Classification: Uncertain significance for Generalized epilepsy-paroxysmal dyskinesia syndrome. Last evaluated: 2025-08-11. Review status: criteria provided, single submitter. Criteria: Invitae Variant Classification Sherloc (09022015). Collection method: clinical testing. Allele origin: germline.
Comment: This sequence change replaces glycine, which is neutral and non-polar, with serine, which is neutral and polar, at codon 846 of the KCNMA1 protein (p.Gly846Ser). This variant is not present in population databases (gnomAD no frequency). This variant has not been reported in the literature in individuals affected with KCNMA1-related conditions. ClinVar contains an entry for this variant (Variation ID: 934139). An algorithm developed to predict the effect of missense changes on protein structure and function (PolyPhen-2) suggests that this variant is likely to be tolerated. In summary, the available evidence is currently insufficient to determine the role of this variant in disease. Therefore, it has been classified as a Variant of Uncertain Significance.

NM_001161352.2(KCNMA1):c.2710G>A (p.Gly904Ser)

Genes: KCNMA1 (potassium calcium-activated channel subfamily M alpha 1; minus strand), KCNMA1-AS1 (KCNMA1 antisense RNA 1; plus strand). Cytogenetic location: 10q22.3.
Variant type: single nucleotide variant.
Coding change: c.2710G>A on transcript NM_001161352.2 (MANE Select); coding-DNA position 2710, G replaced by A.
Protein change: p.Gly904Ser; replaces glycine 904 with serine.
Molecular consequence: missense variant.
Genome position (GRCh38, 1-based): chr10:76,944,965, C>T on the plus strand (G>A on the coding strand, the complement: KCNMA1 is on the minus strand). VCF-style: chr10-76944965-C-T. GRCh37 (hg19) VCF-style: chr10-78704723-C-T.
Other names: c.2548G>A, p.Gly850Ser (NM_001014797.3, NM_001322835.2, NM_001322837.2); c.2659G>A, p.Gly887Ser (NM_001161353.2); c.2386G>A, p.Gly796Ser (NM_001271518.2); c.2545G>A, p.Gly849Ser (NM_001271519.2, NM_001322829.2, NM_001322836.2); c.2557G>A, p.Gly853Ser (NM_001322830.2); c.2536G>A, p.Gly846Ser (NM_001322832.2, NM_002247.4); c.2083G>A, p.Gly695Ser (NM_001322838.2); short protein forms G695S, G846S, G904S, G796S, G849S, G850S, G853S, G887S.
Identifiers: ClinVar variation 934139 (VCV000934139.11), dbSNP rs2063511193, ClinGen allele CA377405838.